The following is an entry in ClinVar:

ClinVar aggregate classification (germline): Benign. Review status: criteria provided, multiple submitters, no conflicts (2 of 4 stars). 3 submissions from 3 submitters: Benign (2). 1 of the submissions does not count toward it. Last evaluated 2026-02-04.

Conditions:
ARHGEF1-related disorder. Also called: ARHGEF1-related condition.

Allele frequency attached by ClinVar (database versions not stated): gnomAD exomes 0.00083 and 0.00359; gnomAD 0.00114 and 0.00150; TOPMed 0.00182; ExAC 0.00221; 1000 Genomes Project 30x 0.00547; 1000 Genomes Project 0.00579.
gnomAD v4.1: 1,498 of 1,547,404 alleles (0.097%); highest among the groups gnomAD compares: East Asian, 3%; 28 homozygotes.

Submissions (3):

Labcorp Genetics (formerly Invitae), Labcorp
Classification: Benign. Last evaluated: 2026-02-04. Review status: criteria provided, single submitter. Criteria: Invitae Variant Classification Sherloc (09022015). Collection method: clinical testing. Allele origin: germline.

Breakthrough Genomics
Classification: Benign. Review status: criteria provided, single submitter. Criteria: ACMG Guidelines, 2015. Collection method: not provided. Allele origin: germline. Inheritance: Autosomal recessive inheritance. Affected: yes.

PreventionGenetics, part of Exact Sciences
Classification: Benign for ARHGEF1-related condition. Last evaluated: 2019-11-27. Review status: no assertion criteria provided. Collection method: clinical testing. Allele origin: germline. Not counted in ClinVar's aggregate classification.
Comment: This variant is classified as benign based on ACMG/AMP sequence variant interpretation guidelines (Richards et al. 2015 PMID: 25741868, with internal and published modifications).

NM_004706.4(ARHGEF1):c.1124C>T (p.Pro375Leu)

Gene: ARHGEF1 (Rho guanine nucleotide exchange factor 1; plus strand). Cytogenetic location: 19q13.2.
Variant type: single nucleotide variant.
Coding change: c.1124C>T on transcript NM_004706.4 (MANE Select); coding-DNA position 1124, C replaced by T.
Protein change: p.Pro375Leu; replaces proline 375 with leucine.
Molecular consequence: missense variant.
Genome position (GRCh38, 1-based): chr19:41,898,444, C>T. VCF-style: chr19-41898444-C-T. GRCh37 (hg19) VCF-style: chr19-42402593-C-T.
Other names: c.1025C>T, p.Pro342Leu (NM_198977.2); c.1169C>T, p.Pro390Leu (NM_199002.2); short protein forms P390L, P342L, P375L.
Identifiers: ClinVar variation 779988 (VCV000779988.12), dbSNP rs2303797, ClinGen allele CA9466300.